The following is an entry in ClinVar:

ClinVar aggregate classification (germline): Pathogenic (1 of 4 stars; one submission).

Submission:

Labcorp Genetics (formerly Invitae), Labcorp
Classification: Pathogenic. Last evaluated: 2023-01-26. Review status: criteria provided, single submitter. Criteria: Invitae Variant Classification Sherloc (09022015). Collection method: clinical testing. Allele origin: germline.
Comment: For these reasons, this variant has been classified as Pathogenic. This variant has not been reported in the literature in individuals affected with MYO15A-related conditions. This variant is present in population databases (no rsID available, gnomAD 0.007%). This sequence change creates a premature translational stop signal (p.Asp2955Thrfs*79) in the MYO15A gene. It is expected to result in an absent or disrupted protein product. Loss-of-function variants in MYO15A are known to be pathogenic (PMID: 17546645).

Literature cited by the submitters: PubMed 17546645.

NM_016239.4(MYO15A):c.8862del (p.Asp2955fs)

Gene: MYO15A (myosin XVA; plus strand). Cytogenetic location: 17p11.2.
Variant type: Deletion.
Coding change: c.8862del on transcript NM_016239.4 (MANE Select); coding-DNA position 8862, one base deleted (C; older notation c.8862delC).
Protein change: p.Asp2955fs; shifts the reading frame from aspartic acid 2955.
Molecular consequence: frameshift variant.
Genome position (GRCh38, 1-based): chr17:18,157,795, C deleted; the last of 5 consecutive C bases (chr17:18,157,791-18,157,795); deleting any one gives the same sequence. VCF-style (leftmost placement, unchanged base first): chr17-18157790-GC-G. GRCh37 (hg19) VCF-style: chr17-18061104-GC-G.
Other names: short protein forms D2955fs.
Identifiers: ClinVar variation 2832095 (VCV002832095.3), dbSNP rs1269127133, ClinGen allele CA625315503.